The following is an entry in ClinVar:

NM_004830.4(MED23):c.3566G>A (p.Arg1189His)

Gene: MED23 (mediator complex subunit 23; minus strand). Cytogenetic location: 6q23.2.
Variant type: single nucleotide variant.
Coding change: c.3566G>A on transcript NM_004830.4 (MANE Select); coding-DNA position 3566, G replaced by A.
Protein change: p.Arg1189His; replaces arginine 1189 with histidine.
Molecular consequence: missense variant.
Genome position (GRCh38, 1-based): chr6:131,591,433, C>T on the plus strand (G>A on the coding strand, the complement: MED23 is on the minus strand). VCF-style: chr6-131591433-C-T. GRCh37 (hg19) VCF-style: chr6-131912573-C-T.
Other names: c.3566G>A, p.Arg1189His (NM_001270521.2, NM_001270522.2); c.3584G>A, p.Arg1195His (NM_001376517.1, NM_015979.4); c.3512G>A, p.Arg1171His (NM_001376518.1); c.3428G>A, p.Arg1143His (NM_001376519.1, NM_001376521.1); c.3425G>A, p.Arg1142His (NM_001376520.1); c.3395G>A, p.Arg1132His (NM_001376522.1); c.3311G>A, p.Arg1104His (NM_001376523.1); c.3179G>A, p.Arg1060His (NM_001376524.1); short protein forms R1132H, R1189H, R1143H, R1171H, R1060H, R1104H, R1142H, R1195H.
Identifiers: ClinVar variation 2229453 (VCV002229453.2), dbSNP rs146599947, ClinGen allele CA3999585.

ClinVar aggregate classification (germline): Uncertain significance (1 of 4 stars; one submission).

Conditions:
Inborn genetic diseases. Identifiers: MedGen C0950123, MeSH D030342.

Allele frequency attached by ClinVar (database versions not stated): gnomAD exomes 0.00001; TOPMed 0.00002; ExAC 0.00003; gnomAD 0.00003; ESP Exome Variant Server 0.00008; 1000 Genomes Project 30x 0.00016; 1000 Genomes Project 0.00020.
gnomAD v4.1: 24 of 1,613,788 alleles (0.0015%); highest among the groups gnomAD compares: South Asian, 0.0088%; no homozygotes.

Submission:

Ambry Genetics
Classification: Uncertain significance for Inborn genetic diseases. Last evaluated: 2021-03-03. Review status: criteria provided, single submitter. Criteria: Ambry Variant Classification Scheme 2023. Collection method: clinical testing. Allele origin: germline.
Comment: The c.3584G>A (p.R1195H) alteration is located in exon 27 (coding exon 27) of the MED23 gene. This alteration results from a G to A substitution at nucleotide position 3584, causing the arginine (R) at amino acid position 1195 to be replaced by a histidine (H). The p.R1195H alteration is predicted to be tolerated by in silico analysis. Based on insufficient or conflicting evidence, the clinical significance of this alteration remains unclear.